The following is an entry in ClinVar:

NC_000009.11:g.(?_130587069)_(130592116_?)del

Gene: ENG (endoglin; minus strand). Cytogenetic location: 9q34.11.
Variant type: Deletion.
Identifiers: ClinVar variation 1076882 (VCV001076882.7).

ClinVar aggregate classification (germline): Pathogenic (1 of 4 stars; one submission).

Conditions:
Hereditary hemorrhagic telangiectasia (HHT). Also called: Osler hemorrhagic telangiectasia syndrome; ORW DISEASE; Osler Weber Rendu syndrome; OSLER-RENDU-WEBER DISEASE. Identifiers: Orphanet 774, MedGen C0039445, MONDO:0019180. Disease mechanism: loss of function.

Submission:

Labcorp Genetics (formerly Invitae), Labcorp
Classification: Pathogenic for Hereditary hemorrhagic telangiectasia. Last evaluated: 2020-08-03. Review status: criteria provided, single submitter. Criteria: Invitae Variant Classification Sherloc (09022015). Collection method: clinical testing. Allele origin: germline.
Comment: This variant has not been reported in the literature in individuals with ENG-related conditions. This variant is an out-of-frame deletion of the genomic region encompassing exon(s) 3-7 of the ENG gene. This is expected to create a premature translational stop signal and result in an absent or disrupted protein product. Loss-of-function variants in ENG are known to be pathogenic (PMID: 15879500). For these reasons, this variant has been classified as Pathogenic.

Literature cited by the submitters: PubMed 15879500.